The following is an entry in ClinVar:

ClinVar aggregate classification (germline): Pathogenic (1 of 4 stars; one submission).

Conditions:
Neuronal ceroid lipofuscinosis 3 (CLN3). Identifiers: Orphanet 228346, MedGen C0751383, MONDO:0008767, OMIM 204200.

Submission:

Myriad Genetics, Inc.
Classification: Pathogenic for Neuronal ceroid lipofuscinosis 3. Last evaluated: 2025-09-17. Review status: criteria provided, single submitter. Criteria: Myriad Autosomal Dominant, Autosomal Recessive and X-Linked Classification Criteria (2023). Collection method: clinical testing. Allele origin: unknown.
Comment: NM_001042432.1(CLN3):c.156T>G(Y52*) is expected to be pathogenic in the context of CLN3-related disorders. This variant is predicted to lead to an abnormal or absent protein product due to the creation of a premature termination codon in CLN3, a gene where loss-of-function variants are known to be pathogenic. Please note: this variant was assessed in the context of healthy population screening.

NM_001042432.2(CLN3):c.156T>G (p.Tyr52Ter)

Gene: CLN3 (CLN3 lysosomal/endosomal transmembrane protein, battenin; minus strand). Cytogenetic location: 16p12.1.
Variant type: single nucleotide variant.
Coding change: c.156T>G on transcript NM_001042432.2 (MANE Select); coding-DNA position 156, T replaced by G.
Protein change: p.Tyr52Ter; replaces tyrosine 52 with a stop codon.
Molecular consequence: nonsense. On other transcripts: 5 prime UTR variant (3).
Genome position (GRCh38, 1-based): chr16:28,489,356, A>C on the plus strand (T>G on the coding strand, the complement: CLN3 is on the minus strand). VCF-style: chr16-28489356-A-C. GRCh37 (hg19) VCF-style: chr16-28500677-A-C.
Other names: c.156T>G, p.Tyr52Ter (NM_000086.2, NM_001286104.2); c.-65T>G (NM_001286105.2); c.-7T>G (NM_001286109.2, NM_001286110.2); short protein forms Y52*.
Identifiers: ClinVar variation 5014990 (VCV005014990.1).